The following is an entry in ClinVar:

ClinVar aggregate classification (germline): Uncertain significance. Review status: criteria provided, multiple submitters, no conflicts (2 of 4 stars). 2 submissions from 2 submitters: Uncertain significance (2). Last evaluated 2025-11-26.

Submissions (2):

Ambry Genetics
Classification: Uncertain significance. Last evaluated: 2025-11-26. Review status: criteria provided, single submitter. Criteria: Ambry Variant Classification Scheme 2023. Collection method: clinical testing. Allele origin: germline.

Labcorp Genetics (formerly Invitae), Labcorp
Classification: Uncertain significance. Last evaluated: 2025-06-12. Review status: criteria provided, single submitter. Criteria: Invitae Variant Classification Sherloc (09022015). Collection method: clinical testing. Allele origin: germline.
Comment: This sequence change replaces valine, which is neutral and non-polar, with alanine, which is neutral and non-polar, at codon 566 of the NUP133 protein (p.Val566Ala). This variant is not present in population databases (gnomAD no frequency). This variant has not been reported in the literature in individuals affected with NUP133-related conditions. ClinVar contains an entry for this variant (Variation ID: 1918825). An algorithm developed to predict the effect of missense changes on protein structure and function (PolyPhen-2) suggests that this variant is likely to be tolerated. In summary, the available evidence is currently insufficient to determine the role of this variant in disease. Therefore, it has been classified as a Variant of Uncertain Significance.

NM_018230.3(NUP133):c.1697T>C (p.Val566Ala)

Gene: NUP133 (nucleoporin 133; minus strand). Cytogenetic location: 1q42.13.
Variant type: single nucleotide variant.
Coding change: c.1697T>C on transcript NM_018230.3 (MANE Select); coding-DNA position 1697, T replaced by C.
Protein change: p.Val566Ala; replaces valine 566 with alanine.
Molecular consequence: missense variant.
Genome position (GRCh38, 1-based): chr1:229,477,656, A>G on the plus strand (T>C on the coding strand, the complement: NUP133 is on the minus strand). VCF-style: chr1-229477656-A-G. GRCh37 (hg19) VCF-style: chr1-229613403-A-G.
Other names: c.1697T>C (NM_018230.2); short protein forms V566A.
Identifiers: ClinVar variation 1918825 (VCV001918825.6), dbSNP rs2527529179, ClinGen allele CA345162313.
Genomic context (GRCh38, chr1:229,477,656, plus strand): 5'-CCCTCAGGGACAGACTCAGCCCACCGTGGGTCAGATGCTGGGTAGTCATCCATCAGGTCT[A>G]CACTGATTTGGGTAACTGCCCTGTCTAGTTCAGAATCAGAATCCAAATCAGAGTGAGAGG-3'
Protein context (NP_060700.2, residues 556-576): ELDRAVTQIS[Val566Ala]DLMDDYPASD